The following is an entry in ClinVar:

NM_001348768.2(HECW2):c.1855C>G (p.Pro619Ala)

Gene: HECW2 (HECT, C2 and WW domain containing E3 ubiquitin protein ligase 2; minus strand). Cytogenetic location: 2q32.3.
Variant type: single nucleotide variant.
Coding change: c.1855C>G on transcript NM_001348768.2 (MANE Select); coding-DNA position 1855, C replaced by G.
Protein change: p.Pro619Ala; replaces proline 619 with alanine.
Molecular consequence: missense variant.
Genome position (GRCh38, 1-based): chr2:196,319,035, G>C on the plus strand (C>G on the coding strand, the complement: HECW2 is on the minus strand). VCF-style: chr2-196319035-G-C. GRCh37 (hg19) VCF-style: chr2-197183759-G-C.
Other names: c.787C>G, p.Pro263Ala (NM_001304840.3); c.1855C>G, p.Pro619Ala (NM_020760.4); short protein forms P263A, P619A.
Identifiers: ClinVar variation 1028184 (VCV001028184.1), dbSNP rs1691824906, ClinGen allele CA349965254.

ClinVar aggregate classification (germline): Uncertain significance (1 of 4 stars; one submission).

Conditions:
Neurodevelopmental disorder with hypotonia, seizures, and absent language (NDHSAL). Identifiers: MedGen C4310643, MONDO:0014995, OMIM 617268.

Submission:

Baylor Genetics
Classification: Uncertain significance for Neurodevelopmental disorder with hypotonia, seizures, and absent language. Last evaluated: 2019-11-20. Review status: criteria provided, single submitter. Criteria: ACMG Guidelines, 2015. Collection method: clinical testing. Allele origin: unknown. Affected: yes.
Comment: This variant was determined to be of uncertain significance according to ACMG Guidelines, 2015 [PMID:25741868].